The following is an entry in ClinVar:

NM_031466.8(TRAPPC9):c.-110_-103dup

Gene: TRAPPC9 (trafficking protein particle complex subunit 9; minus strand). Cytogenetic location: 8q24.3.
Variant type: Duplication.
Coding change: c.-110_-103dup on transcript NM_031466.8; 110 bases upstream of the start codon through 103 bases upstream of the start codon, 8 bases duplicated (ACAGGGGG; older notation c.-110_-103dupACAGGGGG).
Molecular consequence: 5 prime UTR variant.
Genome position (GRCh38, 1-based): chr8:140,458,373-140,458,380, CCCCCTGT duplicated on the plus strand (ACAGGGGG on the coding strand, the reverse complement: TRAPPC9 is on the minus strand). VCF-style (leftmost placement, unchanged base first): chr8-140458372-A-ACCCCCTGT. GRCh37 (hg19) VCF-style: chr8-141468471-A-ACCCCCTGT.
Identifiers: ClinVar variation 2849180 (VCV002849180.3), dbSNP rs2540597400, ClinGen allele CA2579259985.
Genomic context (GRCh38, chr8:140,458,372, plus strand): 5'-CTTCCTCTGTGAAGCTCAGGGGTGGAGGCCCCGCGGAAGCCCACTGTGGATCCCTGCGGC[A>ACCCCCTGT]CCCCCTGTGACCCTCACGGTACCCCCCGTGACTCCCACGGTCGTGCCCCCCACGTGGGTG-3'

ClinVar aggregate classification (germline): Pathogenic (1 of 4 stars; one submission).

Submission:

Labcorp Genetics (formerly Invitae), Labcorp
Classification: Pathogenic. Last evaluated: 2025-07-14. Review status: criteria provided, single submitter. Criteria: Invitae Variant Classification Sherloc (09022015). Collection method: clinical testing. Allele origin: germline.
Comment: This sequence change creates a premature translational stop signal (p.Cys65Thrfs*18) in the TRAPPC9 gene. It is expected to result in an absent or disrupted protein product. Loss-of-function variants in TRAPPC9 are known to be pathogenic (PMID: 2000476, 20004763, 20004764). This variant is not present in population databases (gnomAD no frequency). This variant has not been reported in the literature in individuals affected with TRAPPC9-related conditions. ClinVar contains an entry for this variant (Variation ID: 2849180). For these reasons, this variant has been classified as Pathogenic.

Literature cited by the submitters: PubMed 2000476; PubMed 20004763; PubMed 20004764.